The following is an entry in ClinVar:

NM_006302.3(MOGS):c.874G>C (p.Ala292Pro)

Gene: MOGS (mannosyl-oligosaccharide glucosidase; minus strand). Cytogenetic location: 2p13.1.
Variant type: single nucleotide variant.
Coding change: c.874G>C on transcript NM_006302.3 (MANE Select); coding-DNA position 874, G replaced by C.
Protein change: p.Ala292Pro; replaces alanine 292 with proline.
Molecular consequence: missense variant.
Genome position (GRCh38, 1-based): chr2:74,462,915, C>G on the plus strand (G>C on the coding strand, the complement: MOGS is on the minus strand). VCF-style: chr2-74462915-C-G. GRCh37 (hg19) VCF-style: chr2-74690042-C-G.
Other names: c.556G>C, p.Ala186Pro (NM_001146158.2); short protein forms A186P, A292P.
Identifiers: ClinVar variation 858358 (VCV000858358.6), dbSNP rs763544524, ClinGen allele CA1724902.

ClinVar aggregate classification (germline): Uncertain significance. Review status: criteria provided, multiple submitters, no conflicts (2 of 4 stars). 2 submissions from 2 submitters: Uncertain significance (2). Last evaluated 2025-11-08.

Conditions:
Inborn genetic diseases. Identifiers: MedGen C0950123, MeSH D030342.
MOGS-congenital disorder of glycosylation. Also called: CDG IIb; GLUCOSIDASE I DEFICIENCY; MOGS-CDG; CDG 2B. Identifiers: Orphanet 79330, MedGen C1853736, MONDO:0011629, OMIM 606056.

Allele frequency attached by ClinVar (database versions not stated): TOPMed 0.00027.

Submissions (2):

Ambry Genetics
Classification: Uncertain significance for Inborn genetic diseases. Last evaluated: 2025-11-08. Review status: criteria provided, single submitter. Criteria: Ambry Variant Classification Scheme 2023. Collection method: clinical testing. Allele origin: germline.

Labcorp Genetics (formerly Invitae), Labcorp
Classification: Uncertain significance for MOGS-congenital disorder of glycosylation. Last evaluated: 2023-11-15. Review status: criteria provided, single submitter. Criteria: Invitae Variant Classification Sherloc (09022015). Collection method: clinical testing. Allele origin: germline.
Comment: This sequence change replaces alanine, which is neutral and non-polar, with proline, which is neutral and non-polar, at codon 292 of the MOGS protein (p.Ala292Pro). This variant is present in population databases (rs763544524, gnomAD 0.06%). This variant has not been reported in the literature in individuals affected with MOGS-related conditions. ClinVar contains an entry for this variant (Variation ID: 858358). An algorithm developed to predict the effect of missense changes on protein structure and function (PolyPhen-2) suggests that this variant is likely to be disruptive. In summary, the available evidence is currently insufficient to determine the role of this variant in disease. Therefore, it has been classified as a Variant of Uncertain Significance.